The following is an entry in ClinVar:

NM_000256.3(MYBPC3):c.2952del (p.Lys985fs)

Gene: MYBPC3 (myosin binding protein C3; minus strand). Cytogenetic location: 11p11.2.
Variant type: Deletion.
Coding change: c.2952del on transcript NM_000256.3 (MANE Select); coding-DNA position 2952, one base deleted (G; older notation c.2952delG).
Protein change: p.Lys985fs; shifts the reading frame from lysine 985.
Molecular consequence: frameshift variant.
Genome position (GRCh38, 1-based): chr11:47,333,964, C deleted on the plus strand (G on the coding strand, the reverse complement: MYBPC3 is on the minus strand). VCF-style (leftmost placement, unchanged base first): chr11-47333963-TC-T. GRCh37 (hg19) VCF-style: chr11-47355514-TC-T.
Other names: short protein forms K985fs.
Identifiers: ClinVar variation 3717226 (VCV003717226.3).
Genomic context (GRCh38, chr11:47,333,963, plus strand): 5'-GGAAGGGGGCCAGTCCCACCTGGAAAGGGATGAGAAGGTTCACAGGCTCCCCGACCTTCT[TC>T]TGAATGGTCTGGCGCAGGTGCCTGGGCAGCTGAAGCCGTGGCCGTTCTGTGGGTATAGAG-3'

ClinVar aggregate classification (germline): Pathogenic. Review status: criteria provided, multiple submitters, no conflicts (2 of 4 stars). 2 submissions from 2 submitters: Pathogenic (2). Last evaluated 2025-09-25.

Conditions:
Hypertrophic cardiomyopathy. Also called: HYPERTROPHIC MYOCARDIOPATHY. Identifiers: Orphanet 217569, MedGen C0007194, MeSH D002312, MONDO:0005045, HP:0001639.
Hypertrophic cardiomyopathy 4. Also called: Familial hypertrophic cardiomyopathy 4. Identifiers: MedGen C1861862, MONDO:0007268, OMIM 115197.

Submissions (2):

Institute of Immunology and Genetics Kaiserslautern
Classification: Pathogenic for Hypertrophic cardiomyopathy 4. Last evaluated: 2025-09-25. Review status: criteria provided, single submitter. Criteria: ACMG Guidelines, 2015. Collection method: clinical testing. Allele origin: germline. Affected: yes.
Comment: ACMG Criteria: PVS1, PM2, PP5; Variant was found in heterozygous state.

Labcorp Genetics (formerly Invitae), Labcorp
Classification: Pathogenic for Hypertrophic cardiomyopathy. Last evaluated: 2024-09-15. Review status: criteria provided, single submitter. Criteria: Invitae Variant Classification Sherloc (09022015). Collection method: clinical testing. Allele origin: germline.
Comment: This sequence change creates a premature translational stop signal (p.Lys985Argfs*7) in the MYBPC3 gene. It is expected to result in an absent or disrupted protein product. Loss-of-function variants in MYBPC3 are known to be pathogenic (PMID: 19574547). This variant is not present in population databases (gnomAD no frequency). This variant has not been reported in the literature in individuals affected with MYBPC3-related conditions. For these reasons, this variant has been classified as Pathogenic.

Literature cited by the submitters: PubMed 19574547 (cited by Labcorp Genetics (formerly Invitae), Labcorp).